The following is an entry in ClinVar:

NM_147127.5(EVC2):c.2649G>T (p.Ala883=)

Gene: EVC2 (EvC ciliary complex subunit 2; minus strand). Cytogenetic location: 4p16.2.
Variant type: single nucleotide variant.
Coding change: c.2649G>T on transcript NM_147127.5 (MANE Select); coding-DNA position 2649, G replaced by T.
Protein change: p.Ala883=; no amino-acid change (alanine 883 retained).
Molecular consequence: synonymous variant.
Genome position (GRCh38, 1-based): chr4:5,618,535, C>A on the plus strand (G>T on the coding strand, the complement: EVC2 is on the minus strand). VCF-style: chr4-5618535-C-A. GRCh37 (hg19) VCF-style: chr4-5620262-C-A.
Other names: c.2409G>T, p.Ala803= (NM_001166136.2).
Identifiers: ClinVar variation 1632365 (VCV001632365.22), dbSNP rs751714104, ClinGen allele CA2834638.

ClinVar aggregate classification (germline): Likely benign. Review status: criteria provided, multiple submitters, no conflicts (2 of 4 stars). 2 submissions from 2 submitters: Likely benign (2). Last evaluated 2024-12-01.

Conditions:
Curry-Hall syndrome (WAD). Also called: WEYERS ACRODENTAL DYSOSTOSIS. Identifiers: Orphanet 952, MedGen C0457013, MONDO:0008673, OMIM 193530.
Ellis-van Creveld syndrome (EVC). Also called: MESOECTODERMAL DYSPLASIA; Chondroectodermal dysplasia. Identifiers: Orphanet 289, MedGen C0013903, MONDO:0009162, OMIM 225500.

gnomAD v4.1: 4 of 1,614,112 alleles (0.00025%); highest among the groups gnomAD compares: Admixed American, 0.0033%; no homozygotes.

Submissions (2):

CeGaT Center for Human Genetics Tuebingen
Classification: Likely benign. Last evaluated: 2024-12-01. Review status: criteria provided, single submitter. Criteria: CeGaT Center For Human Genetics Tuebingen Variant Classification Criteria Version 2. Collection method: clinical testing. Allele origin: germline. Affected: yes. Observed: 1 variant allele.
Comment: EVC2: BP4, BP7

Labcorp Genetics (formerly Invitae), Labcorp
Classification: Likely benign for Curry-Hall syndrome; Ellis-van Creveld syndrome. Last evaluated: 2024-02-08. Review status: criteria provided, single submitter. Criteria: Invitae Variant Classification Sherloc (09022015). Collection method: clinical testing. Allele origin: germline.